The following is an entry in ClinVar:

NM_000085.5(CLCNKB):c.1631_1632delinsAT (p.Arg544His)

Genes: CLCNKB (chloride voltage-gated channel Kb; plus strand), LOC106501713 (CLCNKB recombination region; plus strand). Cytogenetic location: 1p36.13.
Variant type: Indel.
Coding change: c.1631_1632delinsAT on transcript NM_000085.5 (MANE Select); coding-DNA positions 1631 to 1632, GC replaced by AT.
Protein change: p.Arg544His; replaces arginine 544 with histidine.
Molecular consequence: missense variant.
Genome position (GRCh38, 1-based): chr1:16,053,647-16,053,648, GC replaced by AT. VCF-style: chr1-16053647-GC-AT. GRCh37 (hg19) VCF-style: chr1-16380142-GC-AT.
Other names: p.Arg544His; c.1124_1125delinsAT, p.Arg375His (NM_001165945.2); c.1631_1632delinsAT (NM_000085.4); short protein forms R544H, R375H.
Identifiers: ClinVar variation 447093 (VCV000447093.7), dbSNP rs1553128179, ClinGen allele CA658656886.

ClinVar aggregate classification (germline): Conflicting classifications of pathogenicity. Review status: criteria provided, conflicting classifications (1 of 4 stars). 4 submissions from 4 submitters: Uncertain significance (3); Likely benign (1). Last evaluated 2025-12-18.

Submissions (4):

Labcorp Genetics (formerly Invitae), Labcorp
Classification: Likely benign. Last evaluated: 2025-12-18. Review status: criteria provided, single submitter. Criteria: Invitae Variant Classification Sherloc (09022015). Collection method: clinical testing. Allele origin: germline.

GeneDx
Classification: Uncertain significance. Last evaluated: 2025-05-30. Review status: criteria provided, single submitter. Criteria: GeneDx Variant Classification Process June 2021. Collection method: clinical testing. Allele origin: germline. Affected: yes.
Comment: In silico analysis suggests that this variant does not alter protein structure/function; This variant is associated with the following publications: (PMID: 15851323)

Mayo Clinic Laboratories, Mayo Clinic
Classification: Uncertain significance. Last evaluated: 2025-02-28. Review status: criteria provided, single submitter. Criteria: ACMG Guidelines, 2015. Collection method: clinical testing. Allele origin: germline. Observed: 2 variant alleles.
Comment: BP4, PM2_supporting

Athena Diagnostics
Classification: Uncertain significance. Last evaluated: 2017-04-24. Review status: criteria provided, single submitter. Criteria: Athena Diagnostics Criteria. Collection method: clinical testing. Allele origin: germline.

Literature cited by the submitters: PubMed 15851323 (cited by Mayo Clinic Laboratories, Mayo Clinic and Athena Diagnostics).